The following is an entry in ClinVar:

ClinVar aggregate classification (germline): Uncertain significance (1 of 4 stars; one submission).

Allele frequency attached by ClinVar (database versions not stated): TOPMed below 0.00001.
gnomAD v4.1: 2 of 1,614,174 alleles (0.00012%); highest among the groups gnomAD compares: Admixed American, 0.0033%; no homozygotes.

Submission:

Ambry Genetics
Classification: Uncertain significance. Last evaluated: 2022-04-09. Review status: criteria provided, single submitter. Criteria: Ambry Variant Classification Scheme 2023. Collection method: clinical testing. Allele origin: germline.
Comment: The p.V175I variant (also known as c.523G>A), located in coding exon 6 of the A2ML1 gene, results from a G to A substitution at nucleotide position 523. The valine at codon 175 is replaced by isoleucine, an amino acid with highly similar properties. This amino acid position is conserved. In addition, this alteration is predicted to be tolerated by in silico analysis. Since supporting evidence is limited at this time, the clinical significance of this alteration remains unclear.

NM_144670.6(A2ML1):c.523G>A (p.Val175Ile)

Gene: A2ML1 (alpha-2-macroglobulin like 1; plus strand). Cytogenetic location: 12p13.31.
Variant type: single nucleotide variant.
Coding change: c.523G>A on transcript NM_144670.6 (MANE Select); coding-DNA position 523, G replaced by A.
Protein change: p.Val175Ile; replaces valine 175 with isoleucine.
Molecular consequence: missense variant.
Genome position (GRCh38, 1-based): chr12:8,835,546, G>A. VCF-style: chr12-8835546-G-A. GRCh37 (hg19) VCF-style: chr12-8988142-G-A.
Other names: short protein forms V175I.
Identifiers: ClinVar variation 1746285 (VCV001746285.2), dbSNP rs1438542258, ClinGen allele CA383821320.